The following is an entry in ClinVar:

NM_000388.4(CASR):c.2404A>G (p.Asn802Asp)

Gene: CASR (calcium sensing receptor; plus strand). Cytogenetic location: 3q21.1.
Variant type: single nucleotide variant.
Coding change: c.2404A>G on transcript NM_000388.4 (MANE Select); coding-DNA position 2404, A replaced by G.
Protein change: p.Asn802Asp; replaces asparagine 802 with aspartic acid.
Molecular consequence: missense variant.
Genome position (GRCh38, 1-based): chr3:122,284,358, A>G. VCF-style: chr3-122284358-A-G. GRCh37 (hg19) VCF-style: chr3-122003205-A-G.
Other names: c.2434A>G, p.Asn812Asp (NM_001178065.2); short protein forms N812D, N802D.
Identifiers: ClinVar variation 940805 (VCV000940805.3), dbSNP rs2074937924, ClinGen allele CA354159724.

ClinVar aggregate classification (germline): Uncertain significance. Review status: criteria provided, multiple submitters, no conflicts (2 of 4 stars). 2 submissions from 2 submitters: Uncertain significance (2). Last evaluated 2020-07-27.

Conditions:
Nephrolithiasis/nephrocalcinosis. Identifiers: MedGen CN580796.
Familial hypocalciuric hypercalcemia (FHH). Also called: Familial benign hypercalcemia. Identifiers: Orphanet 405, MedGen C1809471, MONDO:0018458.
Autosomal dominant hypocalcemia 1 (HYPOC1). Also called: HYPOCALCEMIA, FAMILIAL. Identifiers: MedGen C3715128, MONDO:0011013, OMIM 601198.

Submissions (2):

Ambry Genetics
Classification: Uncertain significance for Nephrolithiasis/nephrocalcinosis. Last evaluated: 2020-07-27. Review status: criteria provided, single submitter. Criteria: Ambry Variant Classification Scheme 2023. Collection method: clinical testing. Allele origin: germline.
Comment: The p.N802D variant (also known as c.2404A>G), located in coding exon 6 of the CASR gene, results from an A to G substitution at nucleotide position 2404. The asparagine at codon 802 is replaced by aspartic acid, an amino acid with highly similar properties. This amino acid position is not well conserved in available vertebrate species. In addition, the in silico prediction for this alteration is inconclusive. Since supporting evidence is limited at this time, the clinical significance of this alteration remains unclear.

Labcorp Genetics (formerly Invitae), Labcorp
Classification: Uncertain significance for Familial hypocalciuric hypercalcemia; Hypocalcemia, autosomal dominant 1. Last evaluated: 2019-06-23. Review status: criteria provided, single submitter. Criteria: Invitae Variant Classification Sherloc (09022015). Collection method: clinical testing. Allele origin: germline.
Comment: This sequence change replaces asparagine with aspartic acid at codon 802 of the CASR protein (p.Asn802Asp). The asparagine residue is highly conserved and there is a small physicochemical difference between asparagine and aspartic acid. This variant is not present in population databases (ExAC no frequency). This variant has not been reported in the literature in individuals with CASR-related conditions. Algorithms developed to predict the effect of missense changes on protein structure and function are either unavailable or do not agree on the potential impact of this missense change (SIFT: "Tolerated"; PolyPhen-2: "Possibly Damaging"; Align-GVGD: "Class C0"). In summary, the available evidence is currently insufficient to determine the role of this variant in disease. Therefore, it has been classified as a Variant of Uncertain Significance.